The following is an entry in ClinVar:

NM_001105206.3(LAMA4):c.112G>A (p.Gly38Arg)

Genes: LAMA4 (laminin subunit alpha 4; minus strand), LAMA4-AS1 (LAMA4 antisense RNA 1; plus strand). Cytogenetic location: 6q21.
Variant type: single nucleotide variant.
Coding change: c.112G>A on transcript NM_001105206.3 (MANE Select); coding-DNA position 112, G replaced by A.
Protein change: p.Gly38Arg; replaces glycine 38 with arginine.
Molecular consequence: missense variant.
Genome position (GRCh38, 1-based): chr6:112,254,039, C>T on the plus strand (G>A on the coding strand, the complement: LAMA4 is on the minus strand). VCF-style: chr6-112254039-C-T. GRCh37 (hg19) VCF-style: chr6-112575241-C-T.
Other names: c.112G>A, p.Gly38Arg (NM_001105207.3, NM_001105208.3, NM_001105209.3 and 1 more transcripts); short protein forms G38R.
Identifiers: ClinVar variation 2562629 (VCV002562629.2), dbSNP rs782259602, ClinGen allele CA3966334.

ClinVar aggregate classification (germline): Uncertain significance (1 of 4 stars; one submission).

Conditions:
Cardiovascular phenotype. Identifiers: MedGen CN230736.

Allele frequency attached by ClinVar (database versions not stated): TOPMed 0.00001; ExAC 0.00007.

Submission:

Ambry Genetics
Classification: Uncertain significance for Cardiovascular phenotype. Last evaluated: 2023-05-13. Review status: criteria provided, single submitter. Criteria: Ambry Variant Classification Scheme 2023. Collection method: clinical testing. Allele origin: germline.
Comment: The p.G38R variant (also known as c.112G>A), located in coding exon 1 of the LAMA4 gene, results from a G to A substitution at nucleotide position 112. The glycine at codon 38 is replaced by arginine, an amino acid with dissimilar properties. This amino acid position is conserved. In addition, this alteration is predicted to be deleterious by in silico analysis. The evidence for this gene-disease relationship is limited; therefore, the clinical significance of this alteration is unclear.